The following is an entry in ClinVar:

ClinVar aggregate classification (germline): Uncertain significance (1 of 4 stars; one submission).

Allele frequency attached by ClinVar (database versions not stated): gnomAD exomes below 0.00001; gnomAD 0.00001; TOPMed 0.00001.
gnomAD v4.1: 7 of 1,614,040 alleles (0.00043%); highest among the groups gnomAD compares: Non-Finnish European, 0.00051%; no homozygotes.

Submission:

Labcorp Genetics (formerly Invitae), Labcorp
Classification: Uncertain significance. Last evaluated: 2022-06-22. Review status: criteria provided, single submitter. Criteria: Invitae Variant Classification Sherloc (09022015). Collection method: clinical testing. Allele origin: germline.
Comment: In summary, the available evidence is currently insufficient to determine the role of this variant in disease. Therefore, it has been classified as a Variant of Uncertain Significance. Algorithms developed to predict the effect of missense changes on protein structure and function are either unavailable or do not agree on the potential impact of this missense change (SIFT: "Tolerated"; PolyPhen-2: "Probably Damaging"; Align-GVGD: "Class C0"). This variant has not been reported in the literature in individuals affected with DYNC1I1-related conditions. This variant is present in population databases (no rsID available, gnomAD 0.002%). This sequence change replaces glycine, which is neutral and non-polar, with arginine, which is basic and polar, at codon 608 of the DYNC1I1 protein (p.Gly608Arg).

NM_001135556.2(DYNC1I1):c.1771G>A (p.Gly591Arg)

Gene: DYNC1I1 (dynein cytoplasmic 1 intermediate chain 1; plus strand). Cytogenetic location: 7q21.3.
Variant type: single nucleotide variant.
Coding change: c.1771G>A on transcript NM_001135556.2 (MANE Select); coding-DNA position 1771, G replaced by A.
Protein change: p.Gly591Arg; replaces glycine 591 with arginine.
Molecular consequence: missense variant.
Genome position (GRCh38, 1-based): chr7:96,080,483, G>A. VCF-style: chr7-96080483-G-A. GRCh37 (hg19) VCF-style: chr7-95709795-G-A.
Other names: c.1711G>A, p.Gly571Arg (NM_001135557.2, NM_001278422.2); c.1762G>A, p.Gly588Arg (NM_001278421.2); c.1822G>A, p.Gly608Arg (NM_004411.5); short protein forms G571R, G588R, G591R, G608R.
Identifiers: ClinVar variation 1960795 (VCV001960795.5), dbSNP rs1294951645, ClinGen allele CA368253888.